The following is an entry in ClinVar:

ClinVar aggregate classification (germline): Benign. Review status: criteria provided, multiple submitters, no conflicts (2 of 4 stars). 4 submissions from 4 submitters: Benign (4). Last evaluated 2026-03-27.

Allele frequency attached by ClinVar (database versions not stated): gnomAD exomes 0.00068 and 0.00169; gnomAD 0.00548 and 0.00606; ExAC 0.00206; TOPMed 0.00635; ESP Exome Variant Server 0.00684; 1000 Genomes Project 0.00739; 1000 Genomes Project 30x 0.00765.
gnomAD v4.1: 1,866 of 1,611,890 alleles (0.12%); highest among the groups gnomAD compares: African/African-American, 1.9%; 16 homozygotes.

Submissions (4):

Molecular Diagnostic Laboratory for Inherited Cardiovascular Disease, Montreal Heart Institute
Classification: Benign. Last evaluated: 2026-03-27. Review status: criteria provided, single submitter. Criteria: ACMG Guidelines, 2015. Collection method: clinical testing. Allele origin: germline. Affected: no.
Comment: BS1;BP7

Mayo Clinic Laboratories, Mayo Clinic
Classification: Benign. Last evaluated: 2023-08-29. Review status: criteria provided, single submitter. Criteria: ACMG Guidelines, 2015. Collection method: clinical testing. Allele origin: germline. Observed: 2 variant alleles.
Comment: BS1, BS2, BP4, BP7

Labcorp Genetics (formerly Invitae), Labcorp
Classification: Benign. Last evaluated: 2019-12-31. Review status: criteria provided, single submitter. Criteria: Invitae Variant Classification Sherloc (09022015). Collection method: clinical testing. Allele origin: germline.

Breakthrough Genomics
Classification: Benign. Review status: criteria provided, single submitter. Criteria: ACMG Guidelines, 2015. Collection method: not provided. Allele origin: germline. Inheritance: Autosomal dominant inheritance. Affected: yes.

NM_005070.4(SLC4A3):c.2640C>T (p.Thr880=)

Gene: SLC4A3 (solute carrier family 4 member 3; plus strand). Cytogenetic location: 2q35.
Variant type: single nucleotide variant.
Coding change: c.2640C>T on transcript NM_005070.4 (MANE Select); coding-DNA position 2640, C replaced by T.
Protein change: p.Thr880=; no amino-acid change (threonine 880 retained).
Molecular consequence: synonymous variant. On other transcripts: non-coding transcript variant (1).
Genome position (GRCh38, 1-based): chr2:219,637,685, C>T. VCF-style: chr2-219637685-C-T. GRCh37 (hg19) VCF-style: chr2-220502407-C-T.
Other names: p.Thr907=; c.2721C>T, p.Thr907= (NM_001326559.2, NM_201574.3); c.2640C>T (NM_005070.3).
Identifiers: ClinVar variation 775828 (VCV000775828.7), dbSNP rs61729100, ClinGen allele CA2134269.